The following is an entry in ClinVar:

NM_022489.4(INF2):c.315_323del (p.Arg106_Val108del)

Gene: INF2 (inverted formin 2; plus strand). Cytogenetic location: 14q32.33.
Variant type: Deletion.
Coding change: c.315_323del on transcript NM_022489.4 (MANE Select); coding-DNA positions 315 to 323, 9 bases deleted (GCGCGCCGT; older notation c.315_323delGCGCGCCGT).
Protein change: p.Arg106_Val108del.
Molecular consequence: inframe indel (on NM_001426862.1).
Genome position (GRCh38, 1-based): chr14:104,701,680-104,701,688, GCGCGCCGT deleted; deleting any 9 consecutive bases within chr14:104,701,677-104,701,688 gives the same sequence; the c. name uses the placement nearest the transcript's 3' end. VCF-style (leftmost placement, unchanged base first): chr14-104701676-GCGTGCGCGC-G. GRCh37 (hg19) VCF-style: chr14-105168013-GCGTGCGCGC-G.
Other names: c.315_323del, p.Arg106_Val108del (NM_001031714.4, NM_032714.3); c.315_323delGCGCGCCGT, p.Arg106_Val108del (NM_001426862.1, NM_001426863.1, NM_001426864.1 and 4 more transcripts).
Identifiers: ClinVar variation 3066232 (VCV003066232.1), dbSNP rs2504233229, ClinGen allele CA2740097939.
Genomic context (GRCh38, chr14:104,701,676, plus strand): 5'-TGTCGGGCCGCGGCGTTGCACGTATCTCCGACGCCCTGCTGCAGCTCACCTGCGTCAGCT[GCGTGCGCGC>G]CGTCATGAACTCGCGGCAGGGCATCGAGTACATCCTCAGCAACCAGGGCTACGTGCGCCA-3'

ClinVar aggregate classification (germline): Likely pathogenic (1 of 4 stars; one submission).

Conditions:
Focal segmental glomerulosclerosis 5 (FSGS5). Identifiers: Orphanet 656, MedGen C2750475, MONDO:0013191, OMIM 613237.

Submission:

MVZ Medizinische Genetik Mainz
Classification: Likely pathogenic for Focal segmental glomerulosclerosis 5. Last evaluated: 2021-10-25. Review status: criteria provided, single submitter. Criteria: UK Practice Guidelines For Variant Classification V4 01 2020. Collection method: clinical testing. Allele origin: germline. Inheritance: Autosomal dominant inheritance. Affected: yes. Observed: 1 variant allele.
Comment: ACMG Criteria: PM1, PM4, PM2_SUP, PM6, PP4 (ACMG Version 3)